The following is an entry in ClinVar:

ClinVar aggregate classification (germline): Uncertain significance (1 of 4 stars; one submission).

Conditions:
Autosomal recessive polycystic kidney disease (ARPKD). Also called: AR polycystic kidney disease. Identifiers: Orphanet 731, Orphanet 8378, MedGen C0085548, MeSH D017044, MONDO:0009889.

Allele frequency attached by ClinVar (database versions not stated): gnomAD exomes 0.00001.

Submission:

Labcorp Genetics (formerly Invitae), Labcorp
Classification: Uncertain significance for Autosomal recessive polycystic kidney disease. Last evaluated: 2021-11-16. Review status: criteria provided, single submitter. Criteria: Invitae Variant Classification Sherloc (09022015). Collection method: clinical testing. Allele origin: germline.
Comment: This sequence change replaces lysine, which is basic and polar, with glutamic acid, which is acidic and polar, at codon 234 of the PKHD1 protein (p.Lys234Glu). This variant is not present in population databases (gnomAD no frequency). This variant has not been reported in the literature in individuals affected with PKHD1-related conditions. Advanced modeling of protein sequence and biophysical properties (such as structural, functional, and spatial information, amino acid conservation, physicochemical variation, residue mobility, and thermodynamic stability) performed at Invitae indicates that this missense variant is not expected to disrupt PKHD1 protein function. In summary, the available evidence is currently insufficient to determine the role of this variant in disease. Therefore, it has been classified as a Variant of Uncertain Significance.

NM_138694.4(PKHD1):c.700A>G (p.Lys234Glu)

Gene: PKHD1 (PKHD1 ciliary IPT domain containing fibrocystin/polyductin; minus strand). Cytogenetic location: 6p12.2.
Variant type: single nucleotide variant.
Coding change: c.700A>G on transcript NM_138694.4 (MANE Select); coding-DNA position 700, A replaced by G.
Protein change: p.Lys234Glu; replaces lysine 234 with glutamic acid.
Molecular consequence: missense variant.
Genome position (GRCh38, 1-based): chr6:52,070,413, T>C on the plus strand (A>G on the coding strand, the complement: PKHD1 is on the minus strand). VCF-style: chr6-52070413-T-C. GRCh37 (hg19) VCF-style: chr6-51935211-T-C.
Other names: c.700A>G, p.Lys234Glu (NM_170724.3); short protein forms K234E.
Identifiers: ClinVar variation 1375698 (VCV001375698.6), dbSNP rs2128229167, ClinGen allele CA364432879.
Genomic context (GRCh38, chr6:52,070,413, plus strand): 5'-TAGGTAATATAAAATGAAGACAAATTTGCCTATTTCTATACCCAGTTACTTACTTTCCTT[T>C]GTTAAATACTGAGAAGCTAACATTCTGGGAGCCTGTAACACAAAGAAACACACATTAACT-3'
Protein context (NP_619639.3, residues 224-244): SQNVSFSVFN[Lys234Glu]GKSMVHKKAW